The following is an entry in ClinVar:

ClinVar aggregate classification (germline): Likely benign (1 of 4 stars; one submission).

Allele frequency attached by ClinVar (database versions not stated): TOPMed 0.00006; ExAC 0.00012; gnomAD 0.00013; ESP Exome Variant Server 0.00017.
gnomAD v4.1: 201 of 1,554,186 alleles (0.013%); highest among the groups gnomAD compares: Non-Finnish European, 0.015%; no homozygotes.

Submission:

CeGaT Center for Human Genetics Tuebingen
Classification: Likely benign. Last evaluated: 2022-09-01. Review status: criteria provided, single submitter. Criteria: CeGaT Center For Human Genetics Tuebingen Variant Classification Criteria Version 2. Collection method: clinical testing. Allele origin: germline. Affected: yes. Observed: 1 variant allele.
Comment: MEGF6: BP4, BP7

NM_001409.4(MEGF6):c.3117C>T (p.Gly1039=)

Gene: MEGF6 (multiple EGF like domains 6; minus strand). Cytogenetic location: 1p36.32.
Variant type: single nucleotide variant.
Coding change: c.3117C>T on transcript NM_001409.4 (MANE Select); coding-DNA position 3117, C replaced by T.
Protein change: p.Gly1039=; no amino-acid change (glycine 1039 retained).
Molecular consequence: synonymous variant.
Genome position (GRCh38, 1-based): chr1:3,498,804, G>A on the plus strand (C>T on the coding strand, the complement: MEGF6 is on the minus strand). VCF-style: chr1-3498804-G-A. GRCh37 (hg19) VCF-style: chr1-3415368-G-A.
Other names: c.2802C>T, p.Gly934= (NM_001410718.1).
Identifiers: ClinVar variation 2638099 (VCV002638099.24), dbSNP rs370608783, ClinGen allele CA546456.